The following is an entry in ClinVar:

NM_000057.4(BLM):c.11T>C (p.Val4Ala)

Gene: BLM (BLM RecQ like helicase; plus strand). Cytogenetic location: 15q26.1.
Variant type: single nucleotide variant.
Coding change: c.11T>C on transcript NM_000057.4 (MANE Select); coding-DNA position 11, T replaced by C.
Protein change: p.Val4Ala; replaces valine 4 with alanine.
Molecular consequence: missense variant. On other transcripts: 5 prime UTR variant (1).
Genome position (GRCh38, 1-based): chr15:90,747,403, T>C. VCF-style: chr15-90747403-T-C. GRCh37 (hg19) VCF-style: chr15-91290633-T-C.
Other names: p.V4A:GTT>GCT; c.11T>C, p.Val4Ala (NM_001287246.2, NM_001287247.2); c.-1281T>C (NM_001287248.2); short protein forms V4A.
Identifiers: ClinVar variation 127473 (VCV000127473.87), dbSNP rs144706057, ClinGen allele CA287052.

ClinVar aggregate classification (germline): Conflicting classifications of pathogenicity. Review status: criteria provided, conflicting classifications (1 of 4 stars). 22 submissions from 22 submitters: Uncertain significance (10); Benign (1); Likely benign (9). 2 of the submissions do not count toward it. Last evaluated 2026-09-01.

Conditions:
BLM-related disorder. Also called: BLM-related condition.
Hereditary cancer. Identifiers: MedGen C1333600.
Hereditary cancer-predisposing syndrome. Also called: Neoplastic Syndromes, Hereditary; Hereditary Cancer Syndrome; Tumor predisposition; Hereditary neoplastic syndrome. Identifiers: Orphanet 140162, MedGen C0027672, MeSH D009386, MONDO:0015356.
Bloom syndrome (BLM). Also called: Bloom-Torre-Machacek syndrome. Identifiers: Orphanet 125, MedGen C0005859, MONDO:0008876, OMIM 210900.

Allele frequency attached by ClinVar (database versions not stated): 1000 Genomes Project 0.00040; 1000 Genomes Project 30x 0.00062; TOPMed 0.00100; gnomAD 0.00102 and 0.00104; ESP Exome Variant Server 0.00154.
gnomAD v4.1: 2,495 of 1,609,200 alleles (0.16%); highest among the groups gnomAD compares: Non-Finnish European, 0.2%; 3 homozygotes.

Submissions (22):

CeGaT Center for Human Genetics Tuebingen
Classification: Likely benign. Last evaluated: 2026-09-01. Review status: criteria provided, single submitter. Criteria: CeGaT Center For Human Genetics Tuebingen Variant Classification Criteria Version 2. Collection method: clinical testing. Allele origin: germline. Affected: yes. Observed: 7 variant alleles.
Comment: BLM: BP4

Labcorp Genetics (formerly Invitae), Labcorp
Classification: Benign for Bloom syndrome. Last evaluated: 2026-02-03. Review status: criteria provided, single submitter. Criteria: Invitae Variant Classification Sherloc (09022015). Collection method: clinical testing. Allele origin: germline.

Dasa
Classification: Likely benign. Last evaluated: 2025-11-18. Review status: criteria provided, single submitter. Criteria: DASA Assertion Criteria. Collection method: clinical testing. Allele origin: germline.
Comment: NM_000057.4(BLM):c.11T>C (p.Val4Ala) is a missense variant that results in the substitution of valine with alanine. Multiple computational predictions suggest no deleterious effect on the gene or gene product. The variant is present at low frequency in population datasets. Based on the available data, this variant is classified as likely benign.

Quest Diagnostics Nichols Institute San Juan Capistrano
Classification: Likely benign. Last evaluated: 2025-10-17. Review status: criteria provided, single submitter. Criteria: Quest Diagnostics criteria. Collection method: clinical testing. Allele origin: unknown.

Blueprint Genetics
Classification: Likely benign. Last evaluated: 2024-11-13. Review status: criteria provided, single submitter. Criteria: ACMG Guidelines, 2015. Collection method: clinical testing. Allele origin: germline.

ARUP Laboratories, Molecular Genetics and Genomics, ARUP Laboratories
Classification: Likely benign for Bloom syndrome. Last evaluated: 2024-09-20. Review status: criteria provided, single submitter. Criteria: ARUP Molecular Germline Variant Investigation Process 2024. Collection method: clinical testing. Allele origin: germline.

Mendelics
Classification: Likely benign for Hereditary cancer. Last evaluated: 2024-01-23. Review status: criteria provided, single submitter. Criteria: ACMG Guidelines, 2015. Collection method: clinical testing. Allele origin: unknown.

Women's Health and Genetics/Laboratory Corporation of America, LabCorp
Classification: Uncertain significance. Last evaluated: 2022-03-03. Review status: criteria provided, single submitter. Criteria: LabCorp Variant Classification Summary - May 2015. Collection method: clinical testing. Allele origin: germline.
Comment: Variant summary: BLM c.11T>C (p.Val4Ala) results in a non-conservative amino acid change located in the Bloom syndrome protein, N-terminal domain of the encoded protein sequence. Three of five in-silico tools predict a benign effect of the variant on protein function. The variant allele was found at a frequency of 0.0011 in 245310 control chromosomes. This frequency is not significantly higher than the estimated maximum frequency expected for a pathogenic variant in BLM causing Bloom Syndrome (0.0011 vs 0.0035), allowing no conclusion about variant significance. c.11T>C has been reported in the literature in individuals affected with Prostate cancer and Non-Hodkin Lymphoma (NHL), and in Hereditary Breast and Ovarian Cancer (HBOC) families (e.g. Hunter_2016, Schuetz_2009, Thompson_2012, Bonache_2018, Tsaousis_2019). These reports do not provide unequivocal conclusions about association of the variant with Bloom Syndrome. To our knowledge, no experimental evidence demonstrating an impact on protein function has been reported. Multiple clinical diagnostic laboratories have submitted clinical-significance assessments for this variant to ClinVar after 2014 without evidence for independent evaluation. Multiple laboratories reported the variant with conflicting assessments (uncertain significance, n=12; benign/likely benign, n=3). Based on the evidence outlined above, the variant was classified as uncertain significance.

Institute for Clinical Genetics, University Hospital TU Dresden, University Hospital TU Dresden
Classification: Uncertain significance. Last evaluated: 2021-11-03. Review status: criteria provided, single submitter. Criteria: ACMG Guidelines, 2015. Collection method: clinical testing. Allele origin: germline.

Sema4
Classification: Uncertain significance for Hereditary cancer-predisposing syndrome. Last evaluated: 2021-10-07. Review status: criteria provided, single submitter. Criteria: Sema4 Curation Guidelines. Collection method: curation. Allele origin: germline.
Comment: The BLM c.11T>C (p.V4A) variant has been reported in individuals with non-Hodgkin lymphoma, prostate cancer, breast and/or ovarian cancer, pancreatic cancer, mesothelioma, and colorectal cancer (PMID: 19917125, 26585945, 30306255, 30666157, 33318203, 32283892). In at least one prostate cancer family, the variant did not segregate with the disease (PMID: 26585945). It was observed in 264/125604 chromosomes of the Non-Finnish European subpopulation in the large and broad cohorts of the Genome Aggregation Database (PMID: 32461654). The variant has been reported in ClinVar (Variation ID 127473). Functional studies have not been performed, and in silico predictions of the variant's effect on protein function are inconclusive. The evidence is insufficient to meet ACMG/AMP criteria for classifying the variant as benign or pathogenic. Thus, the clinical significance of this variant is currently uncertain.

GeneDx
Classification: Likely benign. Last evaluated: 2021-06-01. Review status: criteria provided, single submitter. Criteria: GeneDx Variant Classification Process June 2021. Collection method: clinical testing. Allele origin: germline. Affected: yes.
Comment: In silico analysis supports that this missense variant does not alter protein structure/function; This variant is associated with the following publications: (PMID: 31159747, 23028338, 19917125, 30666157)

Ambry Genetics
Classification: Likely benign for Hereditary cancer-predisposing syndrome. Last evaluated: 2020-10-27. Review status: criteria provided, single submitter. Criteria: Ambry Variant Classification Scheme 2023. Collection method: clinical testing. Allele origin: germline.

Baylor Genetics
Classification: Uncertain significance for Bloom syndrome. Last evaluated: 2020-05-13. Review status: criteria provided, single submitter. Criteria: ACMG Guidelines, 2015. Collection method: clinical testing. Allele origin: unknown. Affected: yes. Study: CSER-TexasKidsCanSeq.
Comment: This variant was determined to be of uncertain significance according to ACMG Guidelines, 2015 [PMID:25741868].

GeneKor MSA
Classification: Uncertain significance for Hereditary cancer-predisposing syndrome. Last evaluated: 2018-08-01. Review status: criteria provided, single submitter. Criteria: ACMG Guidelines, 2015. Collection method: clinical testing. Allele origin: germline. Affected: yes.

Eurofins Ntd Llc (ga)
Classification: Uncertain significance. Last evaluated: 2018-03-02. Review status: criteria provided, single submitter. Criteria: EGL ClinVar v180209 classification definitions. Collection method: clinical testing. Allele origin: germline. Observed: 3 variant alleles, 3 heterozygotes.

Illumina Laboratory Services, Illumina
Classification: Likely benign for Bloom syndrome. Last evaluated: 2018-01-13. Review status: criteria provided, single submitter. Criteria: ICSL Variant Classification Criteria 13 December 2019. Collection method: clinical testing. Allele origin: germline.
Comment: This variant was observed in the ICSL laboratory as part of a predisposition screen in an ostensibly healthy population. It had not been previously curated by ICSL or reported in the Human Gene Mutation Database (HGMD: prior to June 1st, 2018), and was therefore a candidate for classification through an automated scoring system. Utilizing variant allele frequency, disease prevalence and penetrance estimates, and inheritance mode, an automated score was calculated to assess if this variant is too frequent to cause the disease. Based on the score and internal cut-off values, a variant classified as likely benign is not then subjected to further curation. The score for this variant resulted in a classification of likely benign for this disease.

Fulgent Genetics
Classification: Uncertain significance for Bloom syndrome. Last evaluated: 2017-05-23. Review status: criteria provided, single submitter. Criteria: ACMG Guidelines, 2015. Collection method: clinical testing. Allele origin: unknown.

Genetic Services Laboratory, University of Chicago
Classification: Uncertain significance. Last evaluated: 2017-05-18. Review status: criteria provided, single submitter. Criteria: ACMG Guidelines, 2015. Collection method: clinical testing. Allele origin: germline. Affected: no.

Mayo Clinic Laboratories, Mayo Clinic
Classification: Uncertain significance for Bloom syndrome. Last evaluated: 2016-08-02. Review status: criteria provided, single submitter. Criteria: ACMG Guidelines, 2015. Collection method: clinical testing. Allele origin: maternal.

CSER _CC_NCGL, University of Washington
Classification: Uncertain significance for Bloom syndrome. Last evaluated: 2016-01-01. Review status: criteria provided, single submitter. Criteria: Amendola et al. (Genome Res. 2015). Collection method: research. Allele origin: germline. Inheritance: Autosomal recessive inheritance. Study: CSER - NEXT Medicine variant annotation.
Comment: .GERP=5.89.ExAC Alt Allele Frequencies=AFR:0.063%,NFE:0.316%,EAS:0.0%,SAS:0.0%,FIN:0.040%,AMR:0.032%,OTH:0.149%.

PreventionGenetics, part of Exact Sciences
Classification: Likely benign for BLM-related condition. Last evaluated: 2022-05-13. Review status: no assertion criteria provided. Collection method: clinical testing. Allele origin: germline. Not counted in ClinVar's aggregate classification.
Comment: This variant is classified as likely benign based on ACMG/AMP sequence variant interpretation guidelines (Richards et al. 2015 PMID: 25741868, with internal and published modifications).

Natera, Inc.
Classification: Uncertain significance for Bloom syndrome. Last evaluated: 2017-05-27. Review status: no assertion criteria provided. Collection method: clinical testing. Allele origin: germline. Not counted in ClinVar's aggregate classification.

Literature cited by the submitters: PubMed 31159747 (cited by Quest Diagnostics Nichols Institute San Juan Capistrano and Women's Health and Genetics/Laboratory Corporation of America, LabCorp); PubMed 30306255 (cited by 3 submitters); PubMed 26585945 (cited by 3 submitters); PubMed 23028338 (cited by Quest Diagnostics Nichols Institute San Juan Capistrano and Women's Health and Genetics/Laboratory Corporation of America, LabCorp); PubMed 35534704 (cited by Quest Diagnostics Nichols Institute San Juan Capistrano); PubMed 35264596 (cited by Quest Diagnostics Nichols Institute San Juan Capistrano); PubMed 32522261 (cited by Quest Diagnostics Nichols Institute San Juan Capistrano); PubMed 33318203 (cited by Quest Diagnostics Nichols Institute San Juan Capistrano and Sema4); PubMed 32283892 (cited by Quest Diagnostics Nichols Institute San Juan Capistrano and Sema4); PubMed 19917125 (cited by Women's Health and Genetics/Laboratory Corporation of America, LabCorp and Sema4); PubMed 30666157 (cited by Sema4).